The following is an entry in ClinVar:

NM_000170.3(GLDC):c.1576A>T (p.Asn526Tyr)

Gene: GLDC (glycine decarboxylase; minus strand). Cytogenetic location: 9p24.1.
Variant type: single nucleotide variant.
Coding change: c.1576A>T on transcript NM_000170.3 (MANE Select); coding-DNA position 1576, A replaced by T.
Protein change: p.Asn526Tyr; replaces asparagine 526 with tyrosine.
Molecular consequence: missense variant.
Genome position (GRCh38, 1-based): chr9:6,589,199, T>A on the plus strand (A>T on the coding strand, the complement: GLDC is on the minus strand). VCF-style: chr9-6589199-T-A. GRCh37 (hg19) VCF-style: chr9-6589199-T-A.
Other names: short protein forms N526Y.
Identifiers: ClinVar variation 2130718 (VCV002130718.4), dbSNP rs898444750, ClinGen allele CA372893212.

ClinVar aggregate classification (germline): Uncertain significance (1 of 4 stars; one submission).

Conditions:
Glycine encephalopathy. Also called: Non-ketotic hyperglycinemia; Nonketotic hyperglycinemia. Identifiers: Orphanet 407, MedGen C0751748, MONDO:0011612, HP:0008288.

Submission:

Labcorp Genetics (formerly Invitae), Labcorp
Classification: Uncertain significance for Glycine encephalopathy. Last evaluated: 2022-04-25. Review status: criteria provided, single submitter. Criteria: Invitae Variant Classification Sherloc (09022015). Collection method: clinical testing. Allele origin: germline.
Comment: In summary, the available evidence is currently insufficient to determine the role of this variant in disease. Therefore, it has been classified as a Variant of Uncertain Significance. Advanced modeling of protein sequence and biophysical properties (such as structural, functional, and spatial information, amino acid conservation, physicochemical variation, residue mobility, and thermodynamic stability) performed at Invitae indicates that this missense variant is expected to disrupt GLDC protein function. This variant has not been reported in the literature in individuals affected with GLDC-related conditions. This variant is not present in population databases (gnomAD no frequency). This sequence change replaces asparagine, which is neutral and polar, with tyrosine, which is neutral and polar, at codon 526 of the GLDC protein (p.Asn526Tyr).